The following is an entry in ClinVar:

ClinVar aggregate classification (germline): Uncertain significance (1 of 4 stars; one submission).

Conditions:
Brugada syndrome. Also called: Sudden unexpected nocturnal death syndrome; Sudden unexplained nocturnal death syndrome; Sudden Unexplained Death Syndrome; Sudden Unexplained Nocturnal Death Syndrome (SUNDS). Identifiers: Orphanet 130, MedGen C1142166, MONDO:0015263.

Allele frequency attached by ClinVar (database versions not stated): gnomAD exomes below 0.00001; gnomAD 0.00001; TOPMed 0.00001.
gnomAD v4.1: 5 of 1,611,142 alleles (0.00031%); highest among the groups gnomAD compares: Non-Finnish European, 0.00042%; no homozygotes.

Submission:

Labcorp Genetics (formerly Invitae), Labcorp
Classification: Uncertain significance for Brugada syndrome. Last evaluated: 2023-02-22. Review status: criteria provided, single submitter. Criteria: Invitae Variant Classification Sherloc (09022015). Collection method: clinical testing. Allele origin: germline.
Comment: In summary, the available evidence is currently insufficient to determine the role of this variant in disease. Therefore, it has been classified as a Variant of Uncertain Significance. Advanced modeling of protein sequence and biophysical properties (such as structural, functional, and spatial information, amino acid conservation, physicochemical variation, residue mobility, and thermodynamic stability) performed at Invitae indicates that this missense variant is not expected to disrupt GPD1L protein function. This variant has not been reported in the literature in individuals affected with GPD1L-related conditions. This variant is not present in population databases (gnomAD no frequency). This sequence change replaces valine, which is neutral and non-polar, with alanine, which is neutral and non-polar, at codon 20 of the GPD1L protein (p.Val20Ala).

NM_015141.4(GPD1L):c.59T>C (p.Val20Ala)

Gene: GPD1L (glycerol-3-phosphate dehydrogenase 1 like; plus strand). Cytogenetic location: 3p22.3.
Variant type: single nucleotide variant.
Coding change: c.59T>C on transcript NM_015141.4 (MANE Select); coding-DNA position 59, T replaced by C.
Protein change: p.Val20Ala; replaces valine 20 with alanine.
Molecular consequence: missense variant.
Genome position (GRCh38, 1-based): chr3:32,128,087, T>C. VCF-style: chr3-32128087-T-C. GRCh37 (hg19) VCF-style: chr3-32169579-T-C.
Other names: short protein forms V20A.
Identifiers: ClinVar variation 2737846 (VCV002737846.3), dbSNP rs1341136850, ClinGen allele CA351972239.